The following is an entry in ClinVar:

ClinVar aggregate classification (germline): Uncertain significance. Review status: criteria provided, multiple submitters, no conflicts (2 of 4 stars). 2 submissions from 2 submitters: Uncertain significance (2). Last evaluated 2024-05-08.

Conditions:
Duchenne muscular dystrophy (DMD). Also called: MUSCULAR DYSTROPHY, PSEUDOHYPERTROPHIC PROGRESSIVE, DUCHENNE TYPE; Duchenne Muscular Dystrophy (DMD). Identifiers: Orphanet 98896, MedGen C0013264, MONDO:0010679, OMIM 310200.

Submissions (2):

GeneDx
Classification: Uncertain significance. Last evaluated: 2024-05-08. Review status: criteria provided, single submitter. Criteria: GeneDx Variant Classification Process June 2021. Collection method: clinical testing. Allele origin: germline. Affected: yes.
Comment: Has not been previously published as pathogenic or benign to our knowledge; Not observed at significant frequency in large population cohorts (gnomAD); In silico analysis indicates that this missense variant does not alter protein structure/function

Labcorp Genetics (formerly Invitae), Labcorp
Classification: Uncertain significance for Duchenne muscular dystrophy. Last evaluated: 2022-03-18. Review status: criteria provided, single submitter. Criteria: Invitae Variant Classification Sherloc (09022015). Collection method: clinical testing. Allele origin: germline.
Comment: This sequence change replaces threonine, which is neutral and polar, with proline, which is neutral and non-polar, at codon 1490 of the DMD protein (p.Thr1490Pro). This variant is not present in population databases (gnomAD no frequency). This variant has not been reported in the literature in individuals affected with DMD-related conditions. Algorithms developed to predict the effect of missense changes on protein structure and function are either unavailable or do not agree on the potential impact of this missense change (SIFT: "Tolerated"; PolyPhen-2: "Probably Damaging"; Align-GVGD: "Class C0"). In summary, the available evidence is currently insufficient to determine the role of this variant in disease. Therefore, it has been classified as a Variant of Uncertain Significance.

NM_004006.3(DMD):c.4468A>C (p.Thr1490Pro)

Gene: DMD (dystrophin; minus strand). Cytogenetic location: Xp21.1.
Variant type: single nucleotide variant.
Coding change: c.4468A>C on transcript NM_004006.3 (MANE Select); coding-DNA position 4468, A replaced by C.
Protein change: p.Thr1490Pro; replaces threonine 1490 with proline.
Molecular consequence: missense variant.
Genome position (GRCh38, 1-based): chrX:32,389,551, T>G on the plus strand (A>C on the coding strand, the complement: DMD is on the minus strand). VCF-style: chrX-32389551-T-G. GRCh37 (hg19) VCF-style: chrX-32407668-T-G.
Other names: c.4444A>C, p.Thr1482Pro (NM_000109.4); c.4456A>C, p.Thr1486Pro (NM_004009.3); c.4099A>C, p.Thr1367Pro (NM_004010.3); c.445A>C, p.Thr149Pro (NM_004011.4); c.436A>C, p.Thr146Pro (NM_004012.4); c.4468A>C (NM_004006.2); short protein forms T1482P, T149P, T146P, T1490P, T1367P, T1486P.
Identifiers: ClinVar variation 1434242 (VCV001434242.9), dbSNP rs2147611427, ClinGen allele CA412663106.